The following is an entry in ClinVar:

ClinVar aggregate classification (germline): Uncertain significance (1 of 4 stars; one submission).

Allele frequency attached by ClinVar (database versions not stated): TOPMed below 0.00001; ExAC 0.00001; gnomAD exomes 0.00001.
gnomAD v4.1: 4 of 1,614,136 alleles (0.00025%); highest among the groups gnomAD compares: Admixed American, 0.0067%; no homozygotes.

Submission:

Labcorp Genetics (formerly Invitae), Labcorp
Classification: Uncertain significance. Last evaluated: 2025-10-12. Review status: criteria provided, single submitter. Criteria: Invitae Variant Classification Sherloc (09022015). Collection method: clinical testing. Allele origin: germline.
Comment: This sequence change replaces isoleucine, which is neutral and non-polar, with phenylalanine, which is neutral and non-polar, at codon 212 of the P2RY12 protein (p.Ile212Phe). This variant is present in population databases (rs768198990, gnomAD 0.009%). This variant has not been reported in the literature in individuals affected with P2RY12-related conditions. ClinVar contains an entry for this variant (Variation ID: 2780914). An algorithm developed to predict the effect of missense changes on protein structure and function (PolyPhen-2) suggests that this variant is likely to be disruptive. In summary, the available evidence is currently insufficient to determine the role of this variant in disease. Therefore, it has been classified as a Variant of Uncertain Significance.

NM_022788.5(P2RY12):c.634A>T (p.Ile212Phe)

Genes: MED12L (mediator complex subunit 12L; plus strand), P2RY12 (purinergic receptor P2Y12; minus strand). Cytogenetic location: 3q25.1.
Variant type: single nucleotide variant.
Coding change: c.634A>T on transcript NM_022788.5 (MANE Select); coding-DNA position 634, A replaced by T.
Protein change: p.Ile212Phe; replaces isoleucine 212 with phenylalanine.
Molecular consequence: missense variant. On other transcripts: intron variant (2).
Genome position (GRCh38, 1-based): chr3:151,338,212, T>A on the plus strand (A>T on the coding strand, the complement: P2RY12 is on the minus strand). VCF-style: chr3-151338212-T-A. GRCh37 (hg19) VCF-style: chr3-151056000-T-A.
Other names: c.634A>T, p.Ile212Phe (NM_176876.3); c.2251-11847T>A (NM_001393769.1); c.2146-11847T>A (NM_053002.6); short protein forms I212F.
Identifiers: ClinVar variation 2780914 (VCV002780914.3), dbSNP rs768198990, ClinGen allele CA2667827.